The following is an entry in ClinVar:

ClinVar aggregate classification (germline): Uncertain significance. Review status: criteria provided, multiple submitters, no conflicts (2 of 4 stars). 2 submissions from 2 submitters: Uncertain significance (2). Last evaluated 2026-04-01.

Conditions:
Neonatal hypotonia. Identifiers: MedGen C2267233, HP:0001319.

Allele frequency attached by ClinVar (database versions not stated): gnomAD exomes below 0.00001.
gnomAD v4.1: 1 of 1,204,413 alleles (0.000083%); highest among the groups gnomAD compares: Non-Finnish European, 0.00011%; no homozygotes.

Submissions (2):

CeGaT Center for Human Genetics Tuebingen
Classification: Uncertain significance. Last evaluated: 2026-04-01. Review status: criteria provided, single submitter. Criteria: CeGaT Center For Human Genetics Tuebingen Variant Classification Criteria Version 2. Collection method: clinical testing. Allele origin: germline. Affected: yes. Observed: 1 variant allele.
Comment: ATP2B3: PM2, PP3, PS4:Supporting

Kariminejad - Najmabadi Pathology & Genetics Center
Classification: Uncertain significance for Neonatal hypotonia. Last evaluated: 2018-09-15. Review status: criteria provided, single submitter. Criteria: ACMG Guidelines, 2015. Collection method: clinical testing. Allele origin: germline. Affected: yes.

NM_001001344.3(ATP2B3):c.2314A>G (p.Thr772Ala)

Gene: ATP2B3 (ATPase plasma membrane Ca2+ transporting 3; plus strand). Cytogenetic location: Xq28.
Variant type: single nucleotide variant.
Coding change: c.2314A>G on transcript NM_001001344.3 (MANE Select); coding-DNA position 2314, A replaced by G.
Protein change: p.Thr772Ala; replaces threonine 772 with alanine.
Molecular consequence: missense variant.
Genome position (GRCh38, 1-based): chrX:153,556,406, A>G. VCF-style: chrX-153556406-A-G. GRCh37 (hg19) VCF-style: chrX-152821864-A-G.
Other names: c.2314A>G, p.Thr772Ala (NM_001388360.1, NM_001388361.1, NM_001388362.1 and 1 more transcripts); short protein forms T772A.
Identifiers: ClinVar variation 694647 (VCV000694647.3), dbSNP rs1603090621, ClinGen allele CA415072643.